The following is an entry in ClinVar:

ClinVar aggregate classification (germline): Uncertain significance. Review status: criteria provided, multiple submitters, no conflicts (2 of 4 stars). 6 submissions from 6 submitters: Uncertain significance (6). Last evaluated 2026-01-24.

Conditions:
Cardiovascular phenotype. Identifiers: MedGen CN230736.
Arrhythmogenic right ventricular dysplasia 10. Also called: Arrhythmogenic right ventricular dysplasia/cardiomyopathy, type 10; Arrhythmogenic Right Ventricular Dysplasia/Cardiomyopathy10; ARRHYTHMOGENIC RIGHT VENTRICULAR DYSPLASIA, FAMILIAL, 10. Identifiers: MedGen C1857777, MONDO:0012434, OMIM 610193.
Dilated cardiomyopathy 1BB (CMD1BB). Also called: CARDIOMYOPATHY, DILATED, 1BB, SUSCEPTIBILITY TO. Identifiers: Orphanet 154, MedGen C2752072, MONDO:0013030, OMIM 612877.
Arrhythmogenic right ventricular cardiomyopathy (ARVD). Also called: Arrhythmogenic cardiomyopathy; Arrhythmogenic Right Ventricular Cardiomyopathy (ARVC); Cardiomyopathy, ARVC; Arrhythmogenic right ventricular dysplasia. Identifiers: Orphanet 247, MedGen C0349788, MeSH D019571, MONDO:0016587. Disease mechanism: loss of function. Inheritance: Various modes of inheritance.
Cardiomyopathy (CMYO). Also called: Cardiomyopathies. Identifiers: Orphanet 167848, MedGen C0878544, MONDO:0004994, HP:0001638. Inheritance: Various modes of inheritance.

Allele frequency attached by ClinVar (database versions not stated): gnomAD exomes 0.00002; TOPMed 0.00002; gnomAD 0.00003.
gnomAD v4.1: 27 of 1,613,996 alleles (0.0017%); highest among the groups gnomAD compares: Non-Finnish European, 0.0023%; no homozygotes.

Submissions (6):

Labcorp Genetics (formerly Invitae), Labcorp
Classification: Uncertain significance for Arrhythmogenic right ventricular dysplasia 10. Last evaluated: 2026-01-24. Review status: criteria provided, single submitter. Criteria: Invitae Variant Classification Sherloc (09022015). Collection method: clinical testing. Allele origin: germline.
Comment: This sequence change replaces alanine, which is neutral and non-polar, with aspartic acid, which is acidic and polar, at codon 837 of the DSG2 protein (p.Ala837Asp). This variant is present in population databases (rs756338201, gnomAD 0.007%). This variant has not been reported in the literature in individuals affected with DSG2-related conditions. ClinVar contains an entry for this variant (Variation ID: 496149). Invitae Evidence Modeling of protein sequence and biophysical properties (such as structural, functional, and spatial information, amino acid conservation, physicochemical variation, residue mobility, and thermodynamic stability) has been performed for this missense variant. However, the output from this modeling did not meet the statistical confidence thresholds required to predict the impact of this variant on DSG2 protein function. In summary, the available evidence is currently insufficient to determine the role of this variant in disease. Therefore, it has been classified as a Variant of Uncertain Significance.

Ambry Genetics
Classification: Uncertain significance for Cardiovascular phenotype. Last evaluated: 2025-08-03. Review status: criteria provided, single submitter. Criteria: Ambry Variant Classification Scheme 2023. Collection method: clinical testing. Allele origin: germline.
Comment: The p.A837D variant (also known as c.2510C>A), located in coding exon 15 of the DSG2 gene, results from a C to A substitution at nucleotide position 2510. The alanine at codon 837 is replaced by aspartic acid, an amino acid with dissimilar properties. This amino acid position is conserved. In addition, this alteration is predicted to be deleterious by in silico analysis. Since supporting evidence is limited at this time, the clinical significance of this alteration remains unclear.

All of Us Research Program, National Institutes of Health
Classification: Uncertain significance for Arrhythmogenic right ventricular cardiomyopathy. Last evaluated: 2024-08-06. Review status: criteria provided, single submitter. Criteria: ACMG Guidelines, 2015. Collection method: clinical testing. Allele origin: germline. Inheritance: Autosomal dominant inheritance. Observed: 12 variant alleles, 12 heterozygotes.
Comment: This missense variant replaces alanine with aspartic acid at codon 837 of the DSG2 protein. Computational prediction tool suggests that this variant may have deleterious impact on protein structure and function (internally defined REVEL score threshold >=0.7, PMID: 27666373). Splice site prediction tools suggest that this variant may not impact RNA splicing. To our knowledge, functional studies have not been performed for this variant. This variant has not been reported in individuals affected with cardiovascular disorders in the literature. This variant has been identified in 5/249138 chromosomes in the general population by the Genome Aggregation Database (gnomAD). The available evidence is insufficient to determine the role of this variant in disease conclusively. Therefore, this variant is classified as a Variant of Uncertain Significance.

This study involves interpretation of variants in research participants for the purpose of population health screening. Participant phenotype was not available at the time of variant classification. Additional details can be found in publication PMID: 35346344, PMCID: PMC8962531

Color Diagnostics, LLC DBA Color Health
Classification: Uncertain significance for Cardiomyopathy. Last evaluated: 2023-03-30. Review status: criteria provided, single submitter. Criteria: ACMG Guidelines, 2015. Collection method: clinical testing. Allele origin: germline.
Comment: This missense variant replaces alanine with aspartic acid at codon 837 of the DSG2 protein. Computational prediction suggests that this variant may have a deleterious impact on protein structure and function (internally defined REVEL score threshold >= 0.7, PMID: 27666373). To our knowledge, functional studies have not been reported for this variant. This variant has not been reported in individuals affected with DSG2-related disorders in the literature. This variant has been identified in 5/249138 chromosomes in the general population by the Genome Aggregation Database (gnomAD). The available evidence is insufficient to determine the role of this variant in disease conclusively. Therefore, this variant is classified as a Variant of Uncertain Significance.

Fulgent Genetics
Classification: Uncertain significance for Arrhythmogenic right ventricular dysplasia 10; Dilated cardiomyopathy 1BB. Last evaluated: 2021-08-18. Review status: criteria provided, single submitter. Criteria: ACMG Guidelines, 2015. Collection method: clinical testing. Allele origin: unknown.

Women's Health and Genetics/Laboratory Corporation of America, LabCorp
Classification: Uncertain significance. Last evaluated: 2017-03-13. Review status: criteria provided, single submitter. Criteria: LabCorp Variant Classification Summary - May 2015. Collection method: clinical testing. Allele origin: germline.
Comment: Variant summary: The DSG2 c.2510C>A (p.Ala837Asp) variant located in the Catenin binding domain (via InterPro) involves the alteration of a conserved nucleotide that 4/4 in silico tools (SNPs&GO not captured due to low reliability index) predict a damaging outcome, although these predictions have yet to be functionally assessed. The variant of interest was observed in the large, broad control population, ExAC, with an allele frequency of 3/120474 (1/40160), which does exceed the estimated maximal expected allele frequency for a pathogenic DSG2 variant of 1/100000, suggesting this variant could be a rare benign polymorphism. However, this observation needs to be cautiously considered due to the cohort containing individuals that could harbor a DSG2 phenotype. The variant of interest has not, to our knowledge, been reported in affected individuals via publications and/or reputable databases/clinical diagnostic laboratories. Therefore, until additional information becomes available (ie, clinical and functional studies), the variant of interest has been classified as a "Variant of Uncertain Significance - Possibly Benign (VUS)."

NM_001943.5(DSG2):c.2510C>A (p.Ala837Asp)

Genes: DSG2 (desmoglein 2; plus strand), DSG2-AS1 (DSG2 antisense RNA 1; minus strand). Cytogenetic location: 18q12.1.
Variant type: single nucleotide variant.
Coding change: c.2510C>A on transcript NM_001943.5 (MANE Select); coding-DNA position 2510, C replaced by A.
Protein change: p.Ala837Asp; replaces alanine 837 with aspartic acid.
Molecular consequence: missense variant. On other transcripts: non-coding transcript variant (1).
Genome position (GRCh38, 1-based): chr18:31,545,896, C>A. VCF-style: chr18-31545896-C-A. GRCh37 (hg19) VCF-style: chr18-29125859-C-A.
Other names: c.2510C>A (LRG_397t1); short protein forms A837D.
Identifiers: ClinVar variation 496149 (VCV000496149.20), dbSNP rs756338201, ClinGen allele CA046286.